The following is an entry in ClinVar:

ClinVar aggregate classification (germline): Uncertain significance. Review status: criteria provided, multiple submitters, no conflicts (2 of 4 stars). 2 submissions from 2 submitters: Uncertain significance (2). Last evaluated 2020-10-19.

Allele frequency attached by ClinVar (database versions not stated): 1000 Genomes Project 30x 0.00016; gnomAD 0.00083 and 0.00088; gnomAD exomes 0.00315; ExAC 0.01718.

Submissions (2):

GeneDx
Classification: Uncertain significance. Last evaluated: 2020-10-19. Review status: criteria provided, single submitter. Criteria: GeneDx Variant Classification Process June 2021. Collection method: clinical testing. Allele origin: germline. Affected: yes.
Comment: In silico analysis supports that this missense variant has a deleterious effect on protein structure/function; Has not been previously published as pathogenic or benign to our knowledge

Breakthrough Genomics
Classification: Uncertain significance. Review status: criteria provided, single submitter. Criteria: ACMG Guidelines, 2015. Collection method: not provided. Allele origin: germline. Inheritance: Autosomal dominant inheritance. Affected: yes.

NM_005554.4(KRT6A):c.332G>A (p.Gly111Asp)

Gene: KRT6A (keratin 6A; minus strand). Cytogenetic location: 12q13.13.
Variant type: single nucleotide variant.
Coding change: c.332G>A on transcript NM_005554.4 (MANE Select); coding-DNA position 332, G replaced by A.
Protein change: p.Gly111Asp; replaces glycine 111 with aspartic acid.
Molecular consequence: missense variant.
Genome position (GRCh38, 1-based): chr12:52,492,857, C>T on the plus strand (G>A on the coding strand, the complement: KRT6A is on the minus strand). VCF-style: chr12-52492857-C-T. GRCh37 (hg19) VCF-style: chr12-52886641-C-T.
Other names: short protein forms G111D.
Identifiers: ClinVar variation 1222797 (VCV001222797.4), dbSNP rs681063, ClinGen allele CA6582298.